The following is an entry in ClinVar:

ClinVar aggregate classification (germline): Pathogenic. Review status: criteria provided, multiple submitters, no conflicts (2 of 4 stars). 2 submissions from 2 submitters: Pathogenic (2). Last evaluated 2024-10-16.

Conditions:
PAX2-Related Disorder. Also called: PAX2-related disorders. Identifiers: MedGen CN381309.
Renal coloboma syndrome (PAPRS). Also called: OPTIC COLOBOMA, VESICOURETERAL REFLUX, AND RENAL ANOMALIES; OPTIC NERVE COLOBOMA WITH RENAL DISEASE; RENAL-COLOBOMA SYNDROME WITH MACULAR ABNORMALITIES; COLOBOMA OF OPTIC NERVE WITH RENAL DISEASE; PAPILLORENAL SYNDROME WITH MILD OCULAR ABNORMALITIES; CONGENITAL ANOMALIES OF THE KIDNEY AND URINARY TRACT WITH OR WITHOUT OCULAR ABNORMALITIES. Identifiers: Orphanet 1475, MedGen C1852759, MONDO:0007352, OMIM 120330.
Focal segmental glomerulosclerosis 7 (FSGS7). Identifiers: Orphanet 656, MedGen C4014925, MONDO:0014451, OMIM 616002.

Submissions (2):

Labcorp Genetics (formerly Invitae), Labcorp
Classification: Pathogenic for Renal coloboma syndrome; Focal segmental glomerulosclerosis 7. Last evaluated: 2024-10-16. Review status: criteria provided, single submitter. Criteria: Invitae Variant Classification Sherloc (09022015). Collection method: clinical testing. Allele origin: germline.
Comment: This sequence change affects a donor splice site in intron 6 of the PAX2 gene. It is expected to disrupt RNA splicing. Variants that disrupt the donor or acceptor splice site typically lead to a loss of protein function (PMID: 16199547), and loss-of-function variants in PAX2 are known to be pathogenic (PMID: 11461952, 24676634, 35444690). This variant is not present in population databases (gnomAD no frequency). Disruption of this splice site has been observed in individuals with papillorenal syndrome (PMID: 20358591, 22213154). This variant is also known as c.861+2T>C. ClinVar contains an entry for this variant (Variation ID: 2152092). Algorithms developed to predict the effect of sequence changes on RNA splicing suggest that this variant may disrupt the consensus splice site. For these reasons, this variant has been classified as Pathogenic.

Blueprint Genetics
Classification: Pathogenic for PAX2-related disorders. Last evaluated: 2022-01-14. Review status: criteria provided, single submitter. Criteria: ACMG Guidelines, 2015. Collection method: clinical testing. Allele origin: germline. Affected: yes. Observed: 2 variant alleles.

Literature cited by the submitters: PubMed 16199547 (cited by Labcorp Genetics (formerly Invitae), Labcorp); PubMed 11461952 (cited by Labcorp Genetics (formerly Invitae), Labcorp); PubMed 24676634 (cited by Labcorp Genetics (formerly Invitae), Labcorp); PubMed 35444690 (cited by Labcorp Genetics (formerly Invitae), Labcorp); PubMed 20358591 (cited by Labcorp Genetics (formerly Invitae), Labcorp); PubMed 22213154 (cited by Labcorp Genetics (formerly Invitae), Labcorp).

NM_000278.5(PAX2):c.792+2T>C

Gene: PAX2 (paired box 2; plus strand). Cytogenetic location: 10q24.31.
Variant type: single nucleotide variant.
Coding change: c.792+2T>C on transcript NM_000278.5 (MANE Select); the canonical splice donor site of the intron after coding-DNA position 792, T replaced by C.
Molecular consequence: splice donor variant.
Genome position (GRCh38, 1-based): chr10:100,806,607, T>C. VCF-style: chr10-100806607-T-C. GRCh37 (hg19) VCF-style: chr10-102566364-T-C.
Other names: c.885+2T>C (NM_001304569.2); c.861+2T>C (NM_003987.5, NM_003990.5); c.792+2T>C (NM_003988.5, NM_003989.5).
Identifiers: ClinVar variation 2152092 (VCV002152092.5), dbSNP rs2493150282, ClinGen allele CA378259233.